The following is an entry in ClinVar:

NM_004260.4(RECQL4):c.3424G>C (p.Asp1142His)

Gene: RECQL4 (RecQ like helicase 4; minus strand). Cytogenetic location: 8q24.3.
Variant type: single nucleotide variant.
Coding change: c.3424G>C on transcript NM_004260.4 (MANE Select); coding-DNA position 3424, G replaced by C.
Protein change: p.Asp1142His; replaces aspartic acid 1142 with histidine.
Molecular consequence: missense variant.
Genome position (GRCh38, 1-based): chr8:144,511,759, C>G on the plus strand (G>C on the coding strand, the complement: RECQL4 is on the minus strand). VCF-style: chr8-144511759-C-G. GRCh37 (hg19) VCF-style: chr8-145737142-C-G.
Other names: p.Asp1142His; short protein forms D1142H.
Identifiers: ClinVar variation 239763 (VCV000239763.21), dbSNP rs61755067, ClinGen allele CA4947743.

ClinVar aggregate classification (germline): Uncertain significance. Review status: criteria provided, multiple submitters, no conflicts (2 of 4 stars). 7 submissions from 7 submitters: Uncertain significance (7). Last evaluated 2025-11-12.

Conditions:
Hereditary cancer-predisposing syndrome. Also called: Tumor predisposition; Hereditary neoplastic syndrome; Neoplastic Syndromes, Hereditary; Hereditary Cancer Syndrome. Identifiers: Orphanet 140162, MedGen C0027672, MeSH D009386, MONDO:0015356.
Baller-Gerold syndrome (BGS). Also called: CRANIOSYNOSTOSIS WITH RADIAL DEFECTS. Identifiers: Orphanet 1225, MedGen C0265308, MONDO:0009039, OMIM 218600.

Allele frequency attached by ClinVar (database versions not stated): TOPMed 0.00014.

Submissions (7):

Labcorp Genetics (formerly Invitae), Labcorp
Classification: Uncertain significance for Baller-Gerold syndrome. Last evaluated: 2025-11-12. Review status: criteria provided, single submitter. Criteria: Invitae Variant Classification Sherloc (09022015). Collection method: clinical testing. Allele origin: germline.
Comment: This sequence change replaces aspartic acid, which is acidic and polar, with histidine, which is basic and polar, at codon 1142 of the RECQL4 protein (p.Asp1142His). This variant is present in population databases (rs61755067, gnomAD 0.03%). This variant has not been reported in the literature in individuals affected with RECQL4-related conditions. ClinVar contains an entry for this variant (Variation ID: 239763). Invitae Evidence Modeling of protein sequence and biophysical properties (such as structural, functional, and spatial information, amino acid conservation, physicochemical variation, residue mobility, and thermodynamic stability) indicates that this missense variant is expected to disrupt RECQL4 protein function with a positive predictive value of 80%. In summary, the available evidence is currently insufficient to determine the role of this variant in disease. Therefore, it has been classified as a Variant of Uncertain Significance.

Genetic Services Laboratory, University of Chicago
Classification: Uncertain significance. Last evaluated: 2025-09-29. Review status: criteria provided, single submitter. Criteria: ACMG Guidelines, 2015. Collection method: clinical testing. Allele origin: germline.
Comment: DNA sequence analysis of the RECQL4 gene demonstrated a sequence change, c.3424G>C, in exon 20 that results in an amino acid change, p.Asp1142His. This sequence change does not appear to have been previously described in individuals with RECQL4-related disorders. This sequence change has been described in the gnomAD database with a frequency of 0.028% in the European subpopulation (dbSNP rs61755067). The p.Asp1142His change affects a highly conserved amino acid residue located in a domain of the RECQL4 protein that is not known to be functional. In-silico pathogenicity prediction tools (SIFT, PolyPhen2, Align GVGD) provide contradictory results for the p.Asp1142His substitution. Due to insufficient evidences and the lack of functional studies, the clinical significance of the p.Asp1142His change remains unknown at this time.

Blueprint Genetics
Classification: Uncertain significance. Last evaluated: 2024-10-11. Review status: criteria provided, single submitter. Criteria: ACMG Guidelines, 2015. Collection method: clinical testing. Allele origin: germline.

Mayo Clinic Laboratories, Mayo Clinic
Classification: Uncertain significance. Last evaluated: 2024-07-23. Review status: criteria provided, single submitter. Criteria: ACMG Guidelines, 2015. Collection method: clinical testing. Allele origin: germline. Observed: 1 variant allele.

Revvity Omics, Revvity
Classification: Uncertain significance. Last evaluated: 2023-06-22. Review status: criteria provided, single submitter. Criteria: ACMG Guidelines, 2015. Collection method: clinical testing. Allele origin: germline.

Sema4
Classification: Uncertain significance for Hereditary cancer-predisposing syndrome. Last evaluated: 2021-12-19. Review status: criteria provided, single submitter. Criteria: Sema4 Curation Guidelines. Collection method: curation. Allele origin: germline.
Comment: The RECQL4 c.3424G>C (p.D1142H) variant has been reported in one individual with an astroblastoma, although it is unclear if the variant is present in the germline of the patient as well (PMID: 27425854). It was observed in 36/127002 chromosomes of the Non-Finnish European subpopulation, with no homozygotes, in the large and broad cohorts of the Genome Aggregation Database. The variant has been reported in ClinVar (Variation ID 239763). Functional studies have not been performed, and in silico predictions of the variant's effect on protein function are inconclusive. The evidence is insufficient to meet ACMG/AMP criteria for classifying the variant as benign or pathogenic. Thus, the clinical significance of this variant is currently uncertain.

Eurofins Ntd Llc (ga)
Classification: Uncertain significance. Last evaluated: 2016-10-17. Review status: criteria provided, single submitter. Criteria: EGL Classification Definitions 2015. Collection method: clinical testing. Allele origin: germline. Observed: 1 variant allele, 1 heterozygote.

Literature cited by the submitters: PubMed 27425854 (cited by Sema4).